The following is an entry in ClinVar:

ClinVar aggregate classification (germline): Uncertain significance (1 of 4 stars; one submission).

Allele frequency attached by ClinVar (database versions not stated): TOPMed below 0.00001.

Submission:

GeneDx
Classification: Uncertain significance. Last evaluated: 2012-10-22. Review status: criteria provided, single submitter. Criteria: GeneDx Variant Classification (06012015). Collection method: clinical testing. Allele origin: germline. Affected: yes.
Comment: p.Met219Thr (ATG>ACG):c.656 T>C in exon 8 of the CACNB4 gene (NM_000726.2). The Met219Thr missense change has not been published as a mutation, nor has it been reported as a benign polymorphism to our knowledge. The NHLBI ESP Exome Variant Project has not identified Met219Thr in approximately 6,500 individuals of European or African American ethnicity, indicating that it is not a common benign variant in these populations. The amino acid substitution is non-conservative, as a non-polar Methionine residue is replaced by a polar Threonine residue. Met219Thr alters a highly conserved position in the guanylate kinase (GK) domain; however, missense mutations have not been reported in this region of the protein in association with epilepsy. Therefore, based on the currently available information, it is unclear whether Met219Thr is a disease-causing mutation or a rare benign variant. The variant is found in CHILD-EPI panel(s).

NM_000726.5(CACNB4):c.656T>C (p.Met219Thr)

Gene: CACNB4 (calcium voltage-gated channel auxiliary subunit beta 4; minus strand). Cytogenetic location: 2q23.3.
Variant type: single nucleotide variant.
Coding change: c.656T>C on transcript NM_000726.5 (MANE Select); coding-DNA position 656, T replaced by C.
Protein change: p.Met219Thr; replaces methionine 219 with threonine.
Molecular consequence: missense variant. On other transcripts: synonymous variant (3), initiator codon variant (1).
Genome position (GRCh38, 1-based): chr2:151,870,574, A>G on the plus strand (T>C on the coding strand, the complement: CACNB4 is on the minus strand). VCF-style: chr2-151870574-A-G. GRCh37 (hg19) VCF-style: chr2-152727088-A-G.
Other names: p.M219T:ATG>ACG; c.602T>C, p.Met201Thr (NM_001005746.4); c.515T>C, p.Met172Thr (NM_001330118.2, NM_001320722.3); c.554T>C, p.Met185Thr (NM_001005747.4); c.656T>C, p.Met219Thr (NM_001145798.3); c.582T>C, p.Asn194= (NM_001330113.2); c.2T>C, p.Met1Thr (NM_001330114.2); c.534T>C, p.Asn178= (NM_001330115.2); and 2 more; short protein forms M219T, M185T, M1T, M201T, M172T, M33T.
Identifiers: ClinVar variation 204928 (VCV000204928.3), dbSNP rs796052288, ClinGen allele CA313384.
Genomic context (GRCh38, chr2:151,870,574, plus strand): 5'-ACAGATGATATTTGTACCTCGTAACCTTTCAGTGACGGCCCCACTAACACCACCGGACGC[A>G]TTGACGGTACAACATCGTAAGGAGGAATGTGCTCCGTCTGAAAAAGATGATTCGACACGC-3'
Protein context (NP_000717.2, residues 209-229): HIPPYDVVPS[Met219Thr]RPVVLVGPSL